The following is an entry in ClinVar:

NM_000138.5(FBN1):c.8232G>C (p.Gln2744His)

Gene: FBN1 (fibrillin 1; minus strand). Cytogenetic location: 15q21.1.
Variant type: single nucleotide variant.
Coding change: c.8232G>C on transcript NM_000138.5 (MANE Select); coding-DNA position 8232, G replaced by C.
Protein change: p.Gln2744His; replaces glutamine 2744 with histidine.
Molecular consequence: missense variant.
Genome position (GRCh38, 1-based): chr15:48,411,374, C>G on the plus strand (G>C on the coding strand, the complement: FBN1 is on the minus strand). VCF-style: chr15-48411374-C-G. GRCh37 (hg19) VCF-style: chr15-48703571-C-G.
Other names: short protein forms Q2744H.
Identifiers: ClinVar variation 457269 (VCV000457269.24), dbSNP rs376119827, ClinGen allele CA392320221.

ClinVar aggregate classification (germline): Conflicting classifications of pathogenicity. Review status: criteria provided, conflicting classifications (1 of 4 stars). 10 submissions from 10 submitters: Uncertain significance (7); Likely benign (1). 2 of the submissions do not count toward it. Last evaluated 2026-01-14.

Conditions:
Weill-Marchesani syndrome 2, dominant. Also called: FBN1-Related Weill-Marchesani Syndrome; Weill-Marchesani Syndrome, Autosomal Dominant. Identifiers: Orphanet 2084, MedGen C1869115, MONDO:0012013, OMIM 608328.
Ectopia lentis 1, isolated, autosomal dominant (ECTOL1). Identifiers: Orphanet 1885, MedGen C3541518, MONDO:0007514, OMIM 129600.
Marfan syndrome (MFS). Also called: MARFAN SYNDROME, TYPE I; FBN1-Related Marfan Syndrome; Marfan syndrome type 1; Marfan's syndrome; Marfan syndrome, classic. Identifiers: Orphanet 284963, Orphanet 558, MedGen C0024796, MONDO:0007947, OMIM 154700.
Stiff skin syndrome (SSKS). Identifiers: Orphanet 2833, MedGen C1861456, MONDO:0008492, OMIM 184900.
Acromicric dysplasia (ACMICD). Also called: Acromicric skeletal dysplasia. Identifiers: Orphanet 969, MedGen C0265287, MONDO:0007055, OMIM 102370.
Progeroid and marfanoid aspect-lipodystrophy syndrome. Also called: MARFANOID-PROGEROID SYNDROME; MARFAN-PROGEROID-LIPODYSTROPHY SYNDROME; Marfan lipodystrophy syndrome; MARFANOID-PROGEROID-LIPODYSTROPHY SYNDROME. Identifiers: Orphanet 300382, MedGen C4310796, MONDO:0014831, OMIM 616914.
MASS syndrome (OCTD). Also called: MASS PHENOTYPE; OVERLAP CONNECTIVE TISSUE DISEASE. Identifiers: MedGen C1858556, MONDO:0011431, OMIM 604308.
Geleophysic dysplasia 2 (GPHYSD2). Identifiers: Orphanet 2623, MedGen C3280054, MONDO:0013612, OMIM 614185.
Familial thoracic aortic aneurysm and aortic dissection (TAAD). Also called: Thoracic aortic aneurysms and dissections. Identifiers: Orphanet 91387, MedGen C4707243, MONDO:0019625.

Allele frequency attached by ClinVar (database versions not stated): TOPMed 0.00002.
gnomAD v4.1: 11 of 1,613,792 alleles (0.00068%); highest among the groups gnomAD compares: Non-Finnish European, 0.00093%; no homozygotes.

Submissions (10):

Labcorp Genetics (formerly Invitae), Labcorp
Classification: Likely benign for Marfan syndrome; Familial thoracic aortic aneurysm and aortic dissection. Last evaluated: 2026-01-14. Review status: criteria provided, single submitter. Criteria: Invitae Variant Classification Sherloc (09022015). Collection method: clinical testing. Allele origin: germline.

Color Diagnostics, LLC DBA Color Health
Classification: Uncertain significance for Familial thoracic aortic aneurysm and aortic dissection. Last evaluated: 2025-05-26. Review status: criteria provided, single submitter. Criteria: ACMG Guidelines, 2015. Collection method: clinical testing. Allele origin: germline.
Comment: This missense variant replaces glutamine with histidine at codon 2744 of the FBN1 protein. Computational prediction suggests that this variant may not impact protein structure and function. To our knowledge, functional studies have not been reported for this variant. This variant has been reported in two individuals affected with thoracic aortic aneurysm and aortic dissection and/or bicuspid aortic valve (PMID: 28659821, 29907982). This variant has been identified in 3/250796 chromosomes in the general population by the Genome Aggregation Database (gnomAD). The available evidence is insufficient to determine the role of this variant in disease conclusively. Therefore, this variant is classified as a Variant of Uncertain Significance.

All of Us Research Program, National Institutes of Health
Classification: Uncertain significance for Marfan syndrome. Last evaluated: 2023-11-30. Review status: criteria provided, single submitter. Criteria: ACMG Guidelines, 2015. Collection method: clinical testing. Allele origin: germline. Inheritance: Autosomal dominant inheritance. Observed: 4 variant alleles, 4 heterozygotes.
Comment: This missense variant replaces glutamine with histidine at codon 2744 of the FBN1 protein. Computational prediction suggests that this variant may not impact protein structure and function (internally defined REVEL score threshold <= 0.5, PMID: 27666373). To our knowledge, functional studies have not been reported for this variant. This variant has been reported in two individuals affected with thoracic aortic aneurysm and aortic dissection and/or bicuspid aortic valve (PMID: 28659821, 29907982). This variant has been identified in 3/250796 chromosomes in the general population by the Genome Aggregation Database (gnomAD). The available evidence is insufficient to determine the role of this variant in disease conclusively. Therefore, this variant is classified as a Variant of Uncertain Significance.

This study involves interpretation of variants in research participants for the purpose of population health screening. Participant phenotype was not available at the time of variant classification. Additional details can be found in publication PMID: 35346344, PMCID: PMC8962531

Women's Health and Genetics/Laboratory Corporation of America, LabCorp
Classification: Uncertain significance. Last evaluated: 2022-09-12. Review status: criteria provided, single submitter. Criteria: LabCorp Variant Classification Summary - May 2015. Collection method: clinical testing. Allele origin: germline.
Comment: Variant summary: FBN1 c.8232G>C (p.Gln2744His) results in a non-conservative amino acid change in the encoded protein sequence. Four of five in-silico tools predict a benign effect of the variant on protein function. The variant allele was found at a frequency of 1.2e-05 in 250796 control chromosomes. The available data on variant occurrences in the general population are insufficient to allow any conclusion about variant significance. c.8232G>C has been reported in the literature as a VUS in settings of multigene panel testing in at-least one individual affected with suspected heritable thoracic aortic disorders (example, Overwater_2018) and also in an individual undergoing candidate gene resequencing In a large bicuspid aortic valve-associated thoracic aortic aneurysm cohort (example, Gillis_2017). These report(s) do not provide unequivocal conclusions about association of the variant with Marfan Syndrome. To our knowledge, no experimental evidence demonstrating an impact on protein function has been reported. Four clinical diagnostic laboratories have submitted clinical-significance assessments for this variant to ClinVar after 2014 without evidence for independent evaluation. All laboratories classified the variant as uncertain significance. Based on the evidence outlined above, the variant was classified as uncertain significance.

Johns Hopkins Genomics, Johns Hopkins University
Classification: Uncertain significance for Marfan syndrome. Last evaluated: 2022-04-29. Review status: criteria provided, single submitter. Criteria: ACMG Guidelines, 2015. Collection method: clinical testing. Allele origin: germline.
Comment: This FBN1 variant(rs376119827) is rare (<0.1%) in a large population dataset (gnomAD: 3/250796 total alleles; 0.001196%; no homozygotes) and has been reported in ClinVar. Three bioinformatic tools queried predict that this substitution would be tolerated and the glutamine residue at this position is not highly evolutionarily conserved across the species assessed. We consider the clinical significance of FBN1 c.8232G>C to be uncertain at this time.

GeneDx
Classification: Uncertain significance. Last evaluated: 2020-07-27. Review status: criteria provided, single submitter. Criteria: GeneDx Variant Classification Process June 2021. Collection method: clinical testing. Allele origin: germline. Affected: yes.
Comment: Reported in a proband with a history of a carotid artery dissection, borderline aortic root aneurysm, and pneumothorax (Overwater et al., 2018); Not observed at a significant frequency in large population cohorts (Lek et al., 2016); In silico analysis, which includes protein predictors and evolutionary conservation, supports that this variant does not alter protein structure/function; Does not affect a cysteine residue within a calcium-binding EGF-like domain of the FBN1 gene; cysteine substitutions in the calcium-binding EGF-like domains represent the majority of pathogenic missense changes associated with FBN1-related disorders (Collod-Beroud et al., 2003); Reported in ClinVar as a variant of uncertain significance (ClinVar Variant ID# 457269; Landrum et al., 2016); This variant is associated with the following publications: (PMID: 29907982)

Ambry Genetics
Classification: Uncertain significance for Familial thoracic aortic aneurysm and aortic dissection. Last evaluated: 2020-03-20. Review status: criteria provided, single submitter. Criteria: Ambry Variant Classification Scheme 2023. Collection method: clinical testing. Allele origin: germline.
Comment: The p.Q2744H variant (also known as c.8232G>C), located in coding exon 65 of the FBN1 gene, results from a G to C substitution at nucleotide position 8232. The glutamine at codon 2744 is replaced by histidine, an amino acid with highly similar properties. This alteration was reported in a subject with carotid artery dissection, aortic aneurysm and pneumothorax (Overwater E et al. Hum. Mutat., 2018 09;39:1173-1192). This amino acid position is not well conserved in available vertebrate species. In addition, this alteration is predicted to be tolerated by in silico analysis. Since supporting evidence is limited at this time, the clinical significance of this alteration remains unclear.

Fulgent Genetics
Classification: Uncertain significance for Acromicric dysplasia; Ectopia lentis 1, isolated, autosomal dominant; Marfan syndrome; Stiff skin syndrome; MASS syndrome; Weill-Marchesani syndrome 2, dominant; Geleophysic dysplasia 2; Progeroid and marfanoid aspect-lipodystrophy syndrome. Last evaluated: 2018-10-31. Review status: criteria provided, single submitter. Criteria: ACMG Guidelines, 2015. Collection method: clinical testing. Allele origin: unknown.

Clinical Genetics DNA and cytogenetics Diagnostics Lab, Erasmus MC, Erasmus Medical Center
Classification: Likely benign. Review status: no assertion criteria provided. Collection method: clinical testing. Allele origin: germline. Affected: yes. Study: VKGL Data-share Consensus. Not counted in ClinVar's aggregate classification.

Genome Diagnostics Laboratory, University Medical Center Utrecht
Classification: Likely benign. Review status: no assertion criteria provided. Collection method: clinical testing. Allele origin: germline. Affected: yes. Study: VKGL Data-share Consensus. Not counted in ClinVar's aggregate classification.

Literature cited by the submitters: PubMed 28659821 (cited by 3 submitters); PubMed 29907982 (cited by 5 submitters).